The following is an entry in ClinVar:

ClinVar aggregate classification (germline): Uncertain significance. Review status: criteria provided, multiple submitters, no conflicts (2 of 4 stars). 2 submissions from 2 submitters: Uncertain significance (2). Last evaluated 2024-10-25.

Conditions:
KCNT1-related disorder. Also called: KCNT1-related condition.
Developmental and epileptic encephalopathy, 14 (DEE14). Also called: Early infantile epileptic encephalopathy 14. Identifiers: Orphanet 293181, MedGen C3554195, MONDO:0013989, OMIM 614959.
Autosomal dominant nocturnal frontal lobe epilepsy 5. Also called: KCNT1-Related Epilepsy; CILIARY DYSKINESIA, PRIMARY, 28, WITHOUT SITUS INVERSUS; CILIARY DYSKINESIA, PRIMARY, 28, WITH SITUS INVERSUS; Epilepsy, nocturnal frontal lobe, 5. Identifiers: Orphanet 98784, MedGen C3554306, MONDO:0014002, OMIM 615005.

gnomAD v4.1: 2 of 1,611,542 alleles (0.00012%); highest among the groups gnomAD compares: Admixed American, 0.0033%; no homozygotes.

Submissions (2):

PreventionGenetics, part of Exact Sciences
Classification: Uncertain significance for KCNT1-related condition. Last evaluated: 2024-10-25. Review status: criteria provided, single submitter. Criteria: ACMG Guidelines, 2015. Collection method: clinical testing. Allele origin: germline.
Comment: The KCNT1 c.3218G>C variant is predicted to result in the amino acid substitution p.Arg1073Pro. To our knowledge, this variant has not been reported in the literature. This variant is reported in 0.0029% of alleles in individuals of Latino descent in gnomAD. At this time, the clinical significance of this variant is uncertain due to the absence of conclusive functional and genetic evidence.

Labcorp Genetics (formerly Invitae), Labcorp
Classification: Uncertain significance for Epilepsy, nocturnal frontal lobe, 5; Early infantile epileptic encephalopathy 14. Last evaluated: 2018-05-02. Review status: criteria provided, single submitter. Criteria: Invitae Variant Classification Sherloc (09022015). Collection method: clinical testing. Allele origin: germline.
Comment: This sequence change replaces arginine with proline at codon 1073 of the KCNT1 protein (p.Arg1073Pro). The arginine residue is weakly conserved and there is a moderate physicochemical difference between arginine and proline. This variant is not present in population databases (ExAC no frequency). This variant has not been reported in the literature in individuals with KCNT1-related disease. Algorithms developed to predict the effect of missense changes on protein structure and function (SIFT, PolyPhen-2, Align-GVGD) all suggest that this variant is likely to be tolerated, but these predictions have not been confirmed by published functional studies and their clinical significance is uncertain. In summary, the available evidence is currently insufficient to determine the role of this variant in disease. Therefore, it has been classified as a Variant of Uncertain Significance.

NM_020822.3(KCNT1):c.3218G>C (p.Arg1073Pro)

Gene: KCNT1 (potassium sodium-activated channel subfamily T member 1; plus strand). Cytogenetic location: 9q34.3.
Variant type: single nucleotide variant.
Coding change: c.3218G>C on transcript NM_020822.3 (MANE Select); coding-DNA position 3218, G replaced by C.
Protein change: p.Arg1073Pro; replaces arginine 1073 with proline.
Molecular consequence: missense variant.
Genome position (GRCh38, 1-based): chr9:135,786,237, G>C. VCF-style: chr9-135786237-G-C. GRCh37 (hg19) VCF-style: chr9-138678083-G-C.
Other names: c.3083G>C, p.Arg1028Pro (NM_001272003.2); short protein forms R1073P, R1028P.
Identifiers: ClinVar variation 572362 (VCV000572362.2), dbSNP rs747837141, ClinGen allele CA375491519.